The following is an entry in ClinVar:

NM_000321.3(RB1):c.1016A>T (p.His339Leu)

Gene: RB1 (RB transcriptional corepressor 1; plus strand). Cytogenetic location: 13q14.2.
Variant type: single nucleotide variant.
Coding change: c.1016A>T on transcript NM_000321.3 (MANE Select); coding-DNA position 1016, A replaced by T.
Protein change: p.His339Leu; replaces histidine 339 with leucine.
Molecular consequence: missense variant.
Genome position (GRCh38, 1-based): chr13:48,367,570, A>T. VCF-style: chr13-48367570-A-T. GRCh37 (hg19) VCF-style: chr13-48941706-A-T.
Other names: c.1016A>T, p.His339Leu (NM_001407165.1, NM_001407166.1); short protein forms H339L.
Identifiers: ClinVar variation 4761425 (VCV004761425.2).

ClinVar aggregate classification (germline): Uncertain significance. Review status: criteria provided, multiple submitters, no conflicts (2 of 4 stars). 2 submissions from 2 submitters: Uncertain significance (2). Last evaluated 2026-07-06.

Conditions:
Retinoblastoma (RB1). Also called: RETINOBLASTOMA, SOMATIC. Identifiers: Orphanet 790, MedGen C0035335, MeSH D012175, MONDO:0008380, OMIM 180200, HP:0009919. Disease mechanism: loss of function. Inheritance: Both sporadic and heritable forms are tested..
Hereditary cancer-predisposing syndrome. Also called: Hereditary Cancer Syndrome; Hereditary neoplastic syndrome; Neoplastic Syndromes, Hereditary; Tumor predisposition. Identifiers: Orphanet 140162, MedGen C0027672, MeSH D009386, MONDO:0015356.

gnomAD v4.1: 1 of 1,604,868 alleles (0.000062%); highest among the groups gnomAD compares: Non-Finnish European, 0.000085%; no homozygotes.

Submissions (2):

Ambry Genetics
Classification: Uncertain significance for Hereditary cancer-predisposing syndrome. Last evaluated: 2026-07-06. Review status: criteria provided, single submitter. Criteria: Ambry Variant Classification Scheme 2023. Collection method: clinical testing. Allele origin: germline.
Comment: The p.H339L variant (also known as c.1016A>T), located in coding exon 10 of the RB1 gene, results from an A to T substitution at nucleotide position 1016. The histidine at codon 339 is replaced by leucine, an amino acid with similar properties. This amino acid position is conserved. In addition, the in silico prediction for this alteration is inconclusive. Based on the available evidence, the clinical significance of this variant remains unclear.

Labcorp Genetics (formerly Invitae), Labcorp
Classification: Uncertain significance for Retinoblastoma. Last evaluated: 2025-08-28. Review status: criteria provided, single submitter. Criteria: Invitae Variant Classification Sherloc (09022015). Collection method: clinical testing. Allele origin: germline.
Comment: This sequence change replaces histidine, which is basic and polar, with leucine, which is neutral and non-polar, at codon 339 of the RB1 protein (p.His339Leu). This variant is not present in population databases (gnomAD no frequency). This variant has not been reported in the literature in individuals affected with RB1-related conditions. Invitae Evidence Modeling of protein sequence and biophysical properties (such as structural, functional, and spatial information, amino acid conservation, physicochemical variation, residue mobility, and thermodynamic stability) indicates that this missense variant is not expected to disrupt RB1 protein function with a negative predictive value of 80%. In summary, the available evidence is currently insufficient to determine the role of this variant in disease. Therefore, it has been classified as a Variant of Uncertain Significance.